The following is an entry in ClinVar:

NM_004752.4(GCM2):c.275C>A (p.Thr92Asn)

Gene: GCM2 (glial cells missing transcription factor 2; minus strand). Cytogenetic location: 6p24.2.
Variant type: single nucleotide variant.
Coding change: c.275C>A on transcript NM_004752.4 (MANE Select); coding-DNA position 275, C replaced by A.
Protein change: p.Thr92Asn; replaces threonine 92 with asparagine.
Molecular consequence: missense variant.
Genome position (GRCh38, 1-based): chr6:10,877,208, G>T on the plus strand (C>A on the coding strand, the complement: GCM2 is on the minus strand). VCF-style: chr6-10877208-G-T. GRCh37 (hg19) VCF-style: chr6-10877441-G-T.
Other names: short protein forms T92N.
Identifiers: ClinVar variation 3897433 (VCV003897433.1).
Genomic context (GRCh38, chr6:10,877,208, plus strand): 5'-TTCAGCCGTGCCTTGTCGCAGATGGCCGGCCTCAGCTGCAGGCGGGAACCGTCGGGCAGG[G>T]TGCAGGCCTGTGTACACACCACCACACCCAGGCACGACTTCTTGAGGATGTGGCCATTGT-3'
Protein context (NP_004743.1, residues 82-102): LGVVVCTQAC[Thr92Asn]LPDGSRLQLR

ClinVar aggregate classification (germline): Uncertain significance (1 of 4 stars; one submission).

gnomAD v4.1: 3 of 1,614,008 alleles (0.00019%); highest among the groups gnomAD compares: African/African-American, 0.0027%; no homozygotes.

Submission:

GeneDx
Classification: Uncertain significance. Last evaluated: 2024-10-29. Review status: criteria provided, single submitter. Criteria: GeneDx Variant Classification Process June 2021. Collection method: clinical testing. Allele origin: germline. Affected: yes.
Comment: Not observed at significant frequency in large population cohorts (gnomAD); In silico analysis indicates that this missense variant does not alter protein structure/function; Has not been previously published as pathogenic or benign to our knowledge